The following is an entry in ClinVar:

NM_003680.4(YARS1):c.331C>T (p.Pro111Ser)

Gene: YARS1 (tyrosyl-tRNA synthetase 1; minus strand). Cytogenetic location: 1p35.1.
Variant type: single nucleotide variant.
Coding change: c.331C>T on transcript NM_003680.4 (MANE Select); coding-DNA position 331, C replaced by T.
Protein change: p.Pro111Ser; replaces proline 111 with serine.
Molecular consequence: missense variant.
Genome position (GRCh38, 1-based): chr1:32,810,640, G>A on the plus strand (C>T on the coding strand, the complement: YARS1 is on the minus strand). VCF-style: chr1-32810640-G-A. GRCh37 (hg19) VCF-style: chr1-33276241-G-A.
Other names: short protein forms P111S.
Identifiers: ClinVar variation 2095837 (VCV002095837.4), dbSNP rs764170345, ClinGen allele CA745230.
Genomic context (GRCh38, chr1:32,810,640, plus strand): 5'-CAAGCACTTACTTGCTGAGCTGGTAATCAGTGCCTTTGATGAACTTGAGCTTCTCCAAGG[G>A]CACACCAATGCTCTCCAGCATTGCTTTGATCACATTCTCATAGTAACTGACTCGGAGTTC-3'
Protein context (NP_003671.1, residues 101-121): IKAMLESIGV[Pro111Ser]LEKLKFIKGT

ClinVar aggregate classification (germline): Uncertain significance (1 of 4 stars; one submission).

Conditions:
Charcot-Marie-Tooth disease dominant intermediate C (CMTDIC). Also called: CHARCOT-MARIE-TOOTH NEUROPATHY, DOMINANT INTERMEDIATE C. Identifiers: Orphanet 100045, MedGen C1842237, MONDO:0012012, OMIM 608323.

Allele frequency attached by ClinVar (database versions not stated): gnomAD exomes below 0.00001; ExAC 0.00001; TOPMed 0.00001.
gnomAD v4.1: 2 of 1,613,766 alleles (0.00012%); highest among the groups gnomAD compares: East Asian, 0.0045%; no homozygotes.

Submission:

Labcorp Genetics (formerly Invitae), Labcorp
Classification: Uncertain significance for Charcot-Marie-Tooth disease dominant intermediate C. Last evaluated: 2022-07-30. Review status: criteria provided, single submitter. Criteria: Invitae Variant Classification Sherloc (09022015). Collection method: clinical testing. Allele origin: germline.
Comment: This variant is present in population databases (rs764170345, gnomAD 0.006%). This sequence change replaces proline, which is neutral and non-polar, with serine, which is neutral and polar, at codon 111 of the YARS protein (p.Pro111Ser). This variant has not been reported in the literature in individuals affected with YARS-related conditions. In summary, the available evidence is currently insufficient to determine the role of this variant in disease. Therefore, it has been classified as a Variant of Uncertain Significance. Algorithms developed to predict the effect of missense changes on protein structure and function output the following: SIFT: "Not Available"; PolyPhen-2: "Benign"; Align-GVGD: "Not Available". The serine amino acid residue is found in multiple mammalian species, which suggests that this missense change does not adversely affect protein function.